The following is an entry in ClinVar:

ClinVar aggregate classification (germline): Uncertain significance (1 of 4 stars; one submission).

Conditions:
Intellectual developmental disorder, autosomal recessive 37. Also called: Intellectual disability-hypotonia-spasticity-sleep disorder syndrome. Identifiers: Orphanet 356996, MedGen C3809672, MONDO:0014210, OMIM 615493.

gnomAD v4.1: 7 of 1,613,960 alleles (0.00043%); highest among the groups gnomAD compares: South Asian, 0.0011%; no homozygotes.

Submission:

Laboratorio de Genetica e Diagnostico Molecular, Hospital Israelita Albert Einstein
Classification: Uncertain significance for Intellectual developmental disorder, autosomal recessive 37. Last evaluated: 2026-03-10. Review status: criteria provided, single submitter. Criteria: ACMG Guidelines, 2015. Collection method: clinical testing. Allele origin: germline. Affected: yes.
Comment: ACMG classification criteria: PM2 supporting

NM_020987.5(ANK3):c.3044C>T (p.Thr1015Met)

Gene: ANK3 (ankyrin 3; minus strand). Cytogenetic location: 10q21.2.
Variant type: single nucleotide variant.
Coding change: c.3044C>T on transcript NM_020987.5 (MANE Select); coding-DNA position 3044, C replaced by T.
Protein change: p.Thr1015Met; replaces threonine 1015 with methionine.
Molecular consequence: missense variant.
Genome position (GRCh38, 1-based): chr10:60,108,959, G>A on the plus strand (C>T on the coding strand, the complement: ANK3 is on the minus strand). VCF-style: chr10-60108959-G-A. GRCh37 (hg19) VCF-style: chr10-61868717-G-A.
Other names: c.446C>T, p.Thr149Met (NM_001149.4); c.3026C>T, p.Thr1009Met (NM_001204403.2); c.3047C>T, p.Thr1016Met (NM_001204404.2); c.3044C>T, p.Thr1015Met (NM_001320874.2); short protein forms T1009M, T1015M, T1016M, T149M.
Identifiers: ClinVar variation 4846817 (VCV004846817.1).